The following is an entry in ClinVar:

ClinVar aggregate classification (germline): Benign. Review status: criteria provided, multiple submitters, no conflicts (2 of 4 stars). 5 submissions from 5 submitters: Benign (4). 1 of the submissions does not count toward it. Last evaluated 2026-02-04.

Conditions:
LAT-related disorder. Also called: LAT-related condition.

Allele frequency attached by ClinVar (database versions not stated): 1000 Genomes Project 0.08047; 1000 Genomes Project 30x 0.08463; ESP Exome Variant Server 0.08642; TOPMed 0.08667.
gnomAD v4.1: 22,860 of 1,613,876 alleles (1.4%); highest among the groups gnomAD compares: African/African-American, 26%; 2,615 homozygotes.

Submissions (5):

Labcorp Genetics (formerly Invitae), Labcorp
Classification: Benign. Last evaluated: 2026-02-04. Review status: criteria provided, single submitter. Criteria: Invitae Variant Classification Sherloc (09022015). Collection method: clinical testing. Allele origin: germline.

Women's Health and Genetics/Laboratory Corporation of America, LabCorp
Classification: Benign. Last evaluated: 2026-01-21. Review status: criteria provided, single submitter. Criteria: LabCorp Variant Classification Summary - May 2015. Collection method: clinical testing. Allele origin: germline.

GeneDx
Classification: Benign. Last evaluated: 2021-05-21. Review status: criteria provided, single submitter. Criteria: GeneDx Variant Classification Process June 2021. Collection method: clinical testing. Allele origin: germline. Affected: yes.

Breakthrough Genomics
Classification: Benign. Review status: criteria provided, single submitter. Criteria: ACMG Guidelines, 2015. Collection method: not provided. Allele origin: germline. Inheritance: Autosomal recessive inheritance. Affected: yes.

PreventionGenetics, part of Exact Sciences
Classification: Benign for LAT-related condition. Last evaluated: 2019-07-11. Review status: no assertion criteria provided. Collection method: clinical testing. Allele origin: germline. Not counted in ClinVar's aggregate classification.
Comment: This variant is classified as benign based on ACMG/AMP sequence variant interpretation guidelines (Richards et al. 2015 PMID: 25741868, with internal and published modifications).

NM_001014987.2(LAT):c.128+9G>T

Gene: LAT (linker for activation of T cells; plus strand). Cytogenetic location: 16p11.2.
Variant type: single nucleotide variant.
Coding change: c.128+9G>T on transcript NM_001014987.2 (MANE Select); 9 bases into the intron after coding-DNA position 128, G replaced by T.
Molecular consequence: intron variant.
Genome position (GRCh38, 1-based): chr16:28,985,749, G>T. VCF-style: chr16-28985749-G-T. GRCh37 (hg19) VCF-style: chr16-28997070-G-T.
Other names: c.128+9G>T (NM_001014987.1, NM_014387.4, NM_001014988.2); c.236+9G>T (NM_001014989.2).
Identifiers: ClinVar variation 1169574 (VCV001169574.14), dbSNP rs112964111, ClinGen allele CA7989836.